The following is an entry in ClinVar:

ClinVar aggregate classification (germline): Likely benign (1 of 4 stars; one submission).

Allele frequency attached by ClinVar (database versions not stated): ExAC 0.00479; TOPMed 0.00504; gnomAD 0.00525; ESP Exome Variant Server 0.00613; gnomAD exomes 0.00706; 1000 Genomes Project 0.00319; 1000 Genomes Project 30x 0.00359.
gnomAD v4.1: 10,673 of 1,551,732 alleles (0.69%); highest among the groups gnomAD compares: Non-Finnish European, 0.78%; 40 homozygotes.

Submission:

CeGaT Center for Human Genetics Tuebingen
Classification: Likely benign. Last evaluated: 2023-02-01. Review status: criteria provided, single submitter. Criteria: CeGaT Center For Human Genetics Tuebingen Variant Classification Criteria Version 2. Collection method: clinical testing. Allele origin: germline. Affected: yes. Observed: 1 variant allele.
Comment: ARMH1: BP4, BS2

NM_001145636.2(ARMH1):c.565G>C (p.Gly189Arg)

Gene: ARMH1 (armadillo like helical domain containing 1; plus strand). Cytogenetic location: 1p34.1.
Variant type: single nucleotide variant.
Coding change: c.565G>C on transcript NM_001145636.2 (MANE Select); coding-DNA position 565, G replaced by C.
Protein change: p.Gly189Arg; replaces glycine 189 with arginine.
Molecular consequence: missense variant.
Genome position (GRCh38, 1-based): chr1:44,701,045, G>C. VCF-style: chr1-44701045-G-C. GRCh37 (hg19) VCF-style: chr1-45166717-G-C.
Other names: short protein forms G189R.
Identifiers: ClinVar variation 2638775 (VCV002638775.24), dbSNP rs4322271, ClinGen allele CA820173.